The following is an entry in ClinVar:

NM_002103.5(GYS1):c.784A>T (p.Thr262Ser)

Gene: GYS1 (glycogen synthase 1; minus strand). Cytogenetic location: 19q13.33.
Variant type: single nucleotide variant.
Coding change: c.784A>T on transcript NM_002103.5 (MANE Select); coding-DNA position 784, A replaced by T.
Protein change: p.Thr262Ser; replaces threonine 262 with serine.
Molecular consequence: missense variant. On other transcripts: non-coding transcript variant (1).
Genome position (GRCh38, 1-based): chr19:48,985,500, T>A on the plus strand (A>T on the coding strand, the complement: GYS1 is on the minus strand). VCF-style: chr19-48985500-T-A. GRCh37 (hg19) VCF-style: chr19-49488757-T-A.
Other names: c.592A>T, p.Thr198Ser (NM_001161587.2); short protein forms T198S, T262S.
Identifiers: ClinVar variation 4755700 (VCV004755700.1).

ClinVar aggregate classification (germline): Uncertain significance (1 of 4 stars; one submission).

Submission:

GeneDx
Classification: Uncertain significance. Last evaluated: 2025-08-07. Review status: criteria provided, single submitter. Criteria: GeneDx Variant Classification Process June 2021. Collection method: clinical testing. Allele origin: germline. Affected: yes.
Comment: Not observed at significant frequency in large population cohorts (gnomAD); In silico analysis supports that this missense variant has a deleterious effect on protein structure/function; Has not been previously published as pathogenic or benign to our knowledge